The following is an entry in ClinVar:

ClinVar aggregate classification (germline): Likely benign. Review status: criteria provided, multiple submitters, no conflicts (2 of 4 stars). 3 submissions from 3 submitters: Likely benign (3). Last evaluated 2024-11-15.

Allele frequency attached by ClinVar (database versions not stated): ExAC below 0.00001; TOPMed below 0.00001; gnomAD 0.00001; gnomAD exomes 0.00001.
gnomAD v4.1: 18 of 1,613,376 alleles (0.0011%); highest among the groups gnomAD compares: Non-Finnish European, 0.0015%; no homozygotes.

Submissions (3):

Blueprint Genetics
Classification: Likely benign. Last evaluated: 2024-11-15. Review status: criteria provided, single submitter. Criteria: ACMG Guidelines, 2015. Collection method: clinical testing. Allele origin: germline.

Labcorp Genetics (formerly Invitae), Labcorp
Classification: Likely benign. Last evaluated: 2023-12-14. Review status: criteria provided, single submitter. Criteria: Invitae Variant Classification Sherloc (09022015). Collection method: clinical testing. Allele origin: germline.

Laboratory for Molecular Medicine, Mass General Brigham Personalized Medicine
Classification: Likely benign. Last evaluated: 2014-07-24. Review status: criteria provided, single submitter. Criteria: LMM Criteria. Collection method: clinical testing. Allele origin: germline. Observed: 1 variant allele.
Comment: 5924-6G>T in intron 45 of CDH23: This variant is not expected to have clinical significance because a thymine base (T) at this position does not diverge from t he splice consensus and is therefore unlikely to impact splicing.

NM_022124.6(CDH23):c.5924-6G>T

Gene: CDH23 (cadherin related 23; plus strand). Cytogenetic location: 10q22.1.
Variant type: single nucleotide variant.
Coding change: c.5924-6G>T on transcript NM_022124.6 (MANE Select); 6 bases into the intron before coding-DNA position 5924, G replaced by T.
Molecular consequence: intron variant.
Genome position (GRCh38, 1-based): chr10:71,790,282, G>T. VCF-style: chr10-71790282-G-T. GRCh37 (hg19) VCF-style: chr10-73550039-G-T.
Identifiers: ClinVar variation 179880 (VCV000179880.12), dbSNP rs727505190, ClinGen allele CA185333.